The following is an entry in ClinVar:

NM_170784.3(MKKS):c.1414A>G (p.Met472Val)

Gene: MKKS (MKKS centrosomal shuttling protein; minus strand). Cytogenetic location: 20p12.2.
Variant type: single nucleotide variant.
Coding change: c.1414A>G on transcript NM_170784.3 (MANE Select); coding-DNA position 1414, A replaced by G.
Protein change: p.Met472Val; replaces methionine 472 with valine.
Molecular consequence: missense variant. On other transcripts: non-coding transcript variant (1).
Genome position (GRCh38, 1-based): chr20:10,405,546, T>C on the plus strand (A>G on the coding strand, the complement: MKKS is on the minus strand). VCF-style: chr20-10405546-T-C. GRCh37 (hg19) VCF-style: chr20-10386194-T-C.
Other names: c.1414A>G, p.Met472Val (NM_018848.3); short protein forms M472V.
Identifiers: ClinVar variation 2637011 (VCV002637011.2), dbSNP rs201758407, ClinGen allele CA311318769.

ClinVar aggregate classification (germline): Uncertain significance (1 of 4 stars; one submission).

Conditions:
MKKS-related disorder. Also called: MKKS-related condition; MKKS-related disorders.

Allele frequency attached by ClinVar (database versions not stated): gnomAD exomes below 0.00001; TOPMed 0.00001.
gnomAD v4.1: 3 of 1,614,204 alleles (0.00019%); highest among the groups gnomAD compares: African/African-American, 0.0013%; no homozygotes.

Submission:

PreventionGenetics, part of Exact Sciences
Classification: Uncertain significance for MKKS-related condition. Last evaluated: 2026-03-06. Review status: criteria provided, single submitter. Criteria: ACMG Guidelines, 2015. Collection method: clinical testing. Allele origin: germline.
Comment: The MKKS c.1414A>G variant is predicted to result in the amino acid substitution p.Met472Val. To our knowledge, this variant has not been reported in the literature. This variant is reported in 0.0062% of alleles in individuals of African descent in gnomAD. At this time, the clinical significance of this variant is uncertain due to the absence of conclusive functional and genetic evidence.